The following is an entry in ClinVar:

NM_007194.4(CHEK2):c.87A>C (p.Gln29His)

Gene: CHEK2 (checkpoint kinase 2; minus strand). Cytogenetic location: 22q12.1.
Variant type: single nucleotide variant.
Coding change: c.87A>C on transcript NM_007194.4 (MANE Select); coding-DNA position 87, A replaced by C.
Protein change: p.Gln29His; replaces glutamine 29 with histidine.
Molecular consequence: missense variant.
Genome position (GRCh38, 1-based): chr22:28,734,635, T>G on the plus strand (A>C on the coding strand, the complement: CHEK2 is on the minus strand). VCF-style: chr22-28734635-T-G. GRCh37 (hg19) VCF-style: chr22-29130623-T-G.
Other names: c.87A>C, p.Gln29His (NM_001005735.3, NM_001349956.3, NM_145862.3); c.-691A>C (NM_001257387.3); short protein forms Q29H.
Identifiers: ClinVar variation 3226045 (VCV003226045.1), dbSNP rs951525447, ClinGen allele CA411091593.

ClinVar aggregate classification (germline): Uncertain significance (1 of 4 stars; one submission).

Conditions:
Hereditary cancer-predisposing syndrome. Also called: Neoplastic Syndromes, Hereditary; Tumor predisposition; Hereditary neoplastic syndrome; Hereditary Cancer Syndrome. Identifiers: Orphanet 140162, MedGen C0027672, MeSH D009386, MONDO:0015356.

Submission:

Ambry Genetics
Classification: Uncertain significance for Hereditary cancer-predisposing syndrome. Last evaluated: 2023-02-12. Review status: criteria provided, single submitter. Criteria: Ambry Variant Classification Scheme 2023. Collection method: clinical testing. Allele origin: germline.
Comment: The p.Q29H variant (also known as c.87A>C), located in coding exon 1 of the CHEK2 gene, results from an A to C substitution at nucleotide position 87. The glutamine at codon 29 is replaced by histidine, an amino acid with highly similar properties. This amino acid position is conserved. In addition, this alteration is predicted to be tolerated by in silico analysis. Since supporting evidence is limited at this time, the clinical significance of this alteration remains unclear.